The following is an entry in ClinVar:

ClinVar aggregate classification (germline): Pathogenic (1 of 4 stars; one submission).

Submission:

Labcorp Genetics (formerly Invitae), Labcorp
Classification: Pathogenic. Last evaluated: 2023-11-24. Review status: criteria provided, single submitter. Criteria: Invitae Variant Classification Sherloc (09022015). Collection method: clinical testing. Allele origin: germline.
Comment: This sequence change creates a premature translational stop signal (p.Ala122Serfs*6) in the CIB1 gene. It is expected to result in an absent or disrupted protein product. Loss-of-function variants in CIB1 are known to be pathogenic (PMID: 30068544). This variant is not present in population databases (gnomAD no frequency). This variant has not been reported in the literature in individuals affected with CIB1-related conditions. For these reasons, this variant has been classified as Pathogenic.

Literature cited by the submitters: PubMed 30068544.

NM_006384.4(CIB1):c.242dup (p.Ala82fs)

Gene: CIB1 (calcium and integrin binding 1; minus strand). Cytogenetic location: 15q26.1.
Variant type: Duplication.
Coding change: c.242dup on transcript NM_006384.4 (MANE Select); coding-DNA position 242, one base duplicated (C; older notation c.242dupC).
Protein change: p.Ala82fs; shifts the reading frame from alanine 82.
Molecular consequence: frameshift variant. On other transcripts: non-coding transcript variant (2).
Genome position (GRCh38, 1-based): chr15:90,231,461, G duplicated on the plus strand (C on the coding strand, the reverse complement: CIB1 is on the minus strand); the first of 4 consecutive G bases (chr15:90,231,461-90,231,464); duplicating any one gives the same sequence. VCF-style (leftmost placement, unchanged base first): chr15-90231460-T-TG. GRCh37 (hg19) VCF-style: chr15-90774692-T-TG.
Other names: c.362dup, p.Ala122fs (NM_001277764.2); short protein forms A82fs, A122fs.
Identifiers: ClinVar variation 2698752 (VCV002698752.3), dbSNP rs2505970769, ClinGen allele CA2697549296.